The following is an entry in ClinVar:

ClinVar aggregate classification (germline): Uncertain significance (1 of 4 stars; one submission).

Conditions:
Hereditary cancer-predisposing syndrome. Also called: Neoplastic Syndromes, Hereditary; Tumor predisposition; Hereditary neoplastic syndrome; Hereditary Cancer Syndrome. Identifiers: Orphanet 140162, MedGen C0027672, MeSH D009386, MONDO:0015356.
Cardiovascular phenotype. Identifiers: MedGen CN230736.

Submission:

Ambry Genetics
Classification: Uncertain significance for Cardiovascular phenotype; Hereditary cancer-predisposing syndrome. Last evaluated: 2024-03-02. Review status: criteria provided, single submitter. Criteria: Ambry Variant Classification Scheme 2023. Collection method: clinical testing. Allele origin: germline.
Comment: The p.F1637I variant (also known as c.4909T>A), located in coding exon 36 of the NF1 gene, results from a T to A substitution at nucleotide position 4909. The phenylalanine at codon 1637 is replaced by isoleucine, an amino acid with highly similar properties. This amino acid position is conserved. In addition, the in silico prediction for this alteration is inconclusive. Based on the available evidence, the clinical significance of this alteration remains unclear.

NM_001042492.3(NF1):c.4972T>A (p.Phe1658Ile)

Gene: NF1 (neurofibromin 1; plus strand). Cytogenetic location: 17q11.2.
Variant type: single nucleotide variant.
Coding change: c.4972T>A on transcript NM_001042492.3 (MANE Select); coding-DNA position 4972, T replaced by A.
Protein change: p.Phe1658Ile; replaces phenylalanine 1658 with isoleucine.
Molecular consequence: missense variant.
Genome position (GRCh38, 1-based): chr17:31,325,956, T>A. VCF-style: chr17-31325956-T-A. GRCh37 (hg19) VCF-style: chr17-29652974-T-A.
Other names: c.4909T>A, p.Phe1637Ile (NM_000267.4); short protein forms F1637I, F1658I.
Identifiers: ClinVar variation 3237808 (VCV003237808.1), dbSNP rs2151537940.
Genomic context (GRCh38, chr17:31,325,956, plus strand): 5'-CCATATGAAATTGTAGTGGACCTTACCCATACCGGGCCTAGCAATCGCTTTAAAACAGAC[T>A]TTCTCTCTAAGTGGTTTGTTGTTTTTCCTGGCTTTGCTTACGACAACGTCTCCGCAGTCT-3'
Protein context (NP_001035957.1, residues 1648-1668): TGPSNRFKTD[Phe1658Ile]LSKWFVVFPG